The following is an entry in ClinVar:

ClinVar aggregate classification (germline): Uncertain significance (1 of 4 stars; one submission).

gnomAD v4.1: 2 of 1,582,510 alleles (0.00013%); highest among the groups gnomAD compares: Non-Finnish European, 0.00017%; no homozygotes.

Submission:

Labcorp Genetics (formerly Invitae), Labcorp
Classification: Uncertain significance. Last evaluated: 2021-08-20. Review status: criteria provided, single submitter. Criteria: Invitae Variant Classification Sherloc (09022015). Collection method: clinical testing. Allele origin: germline.
Comment: This sequence change replaces cysteine with arginine at codon 521 of the GTPBP3 protein (p.Cys521Arg). The cysteine residue is highly conserved and there is a large physicochemical difference between cysteine and arginine. This variant is not present in population databases (ExAC no frequency). This variant has not been reported in the literature in individuals affected with GTPBP3-related conditions. Algorithms developed to predict the effect of missense changes on protein structure and function (SIFT, PolyPhen-2, Align-GVGD) all suggest that this variant is likely to be disruptive. In summary, the available evidence is currently insufficient to determine the role of this variant in disease. Therefore, it has been classified as a Variant of Uncertain Significance.

NM_032620.4(GTPBP3):c.1465T>C (p.Cys489Arg)

Gene: GTPBP3 (GTP binding protein 3, mitochondrial; plus strand). Cytogenetic location: 19p13.11.
Variant type: single nucleotide variant.
Coding change: c.1465T>C on transcript NM_032620.4 (MANE Select); coding-DNA position 1465, T replaced by C.
Protein change: p.Cys489Arg; replaces cysteine 489 with arginine.
Molecular consequence: missense variant.
Genome position (GRCh38, 1-based): chr19:17,341,689, T>C. VCF-style: chr19-17341689-T-C. GRCh37 (hg19) VCF-style: chr19-17452498-T-C.
Other names: c.1402T>C, p.Cys468Arg (NM_001128855.3); c.1531T>C, p.Cys511Arg (NM_001195422.1); c.1561T>C, p.Cys521Arg (NM_133644.4); short protein forms C468R, C511R, C489R, C521R.
Identifiers: ClinVar variation 1515728 (VCV001515728.3), dbSNP rs1279809281, ClinGen allele CA404740151.